The following is an entry in ClinVar:

NM_001372.4(DNAH9):c.814A>G (p.Ile272Val)

Gene: DNAH9 (dynein axonemal heavy chain 9; plus strand). Cytogenetic location: 17p12.
Variant type: single nucleotide variant.
Coding change: c.814A>G on transcript NM_001372.4 (MANE Select); coding-DNA position 814, A replaced by G.
Protein change: p.Ile272Val; replaces isoleucine 272 with valine.
Molecular consequence: missense variant.
Genome position (GRCh38, 1-based): chr17:11,611,690, A>G. VCF-style: chr17-11611690-A-G. GRCh37 (hg19) VCF-style: chr17-11515007-A-G.
Other names: short protein forms I272V.
Identifiers: ClinVar variation 2080982 (VCV002080982.4), dbSNP rs1309714996, ClinGen allele CA398162933.

ClinVar aggregate classification (germline): Uncertain significance (1 of 4 stars; one submission).

Allele frequency attached by ClinVar (database versions not stated): gnomAD exomes below 0.00001; TOPMed below 0.00001.
gnomAD v4.1: 2 of 1,614,036 alleles (0.00012%); highest among the groups gnomAD compares: East Asian, 0.0022%; no homozygotes.

Submission:

Labcorp Genetics (formerly Invitae), Labcorp
Classification: Uncertain significance. Last evaluated: 2022-06-22. Review status: criteria provided, single submitter. Criteria: Invitae Variant Classification Sherloc (09022015). Collection method: clinical testing. Allele origin: germline.
Comment: In summary, the available evidence is currently insufficient to determine the role of this variant in disease. Therefore, it has been classified as a Variant of Uncertain Significance. Algorithms developed to predict the effect of missense changes on protein structure and function output the following: SIFT: "Tolerated"; PolyPhen-2: "Benign"; Align-GVGD: "Class C0". The valine amino acid residue is found in multiple mammalian species, which suggests that this missense change does not adversely affect protein function. This variant has not been reported in the literature in individuals affected with DNAH9-related conditions. This variant is not present in population databases (gnomAD no frequency). This sequence change replaces isoleucine, which is neutral and non-polar, with valine, which is neutral and non-polar, at codon 272 of the DNAH9 protein (p.Ile272Val).